The following is an entry in ClinVar:

NM_144498.4(OSBPL2):c.1436T>C (p.Ile479Thr)

Gene: OSBPL2 (oxysterol binding protein like 2; plus strand). Cytogenetic location: 20q13.33.
Variant type: single nucleotide variant.
Coding change: c.1436T>C on transcript NM_144498.4 (MANE Select); coding-DNA position 1436, T replaced by C.
Protein change: p.Ile479Thr; replaces isoleucine 479 with threonine.
Molecular consequence: missense variant.
Genome position (GRCh38, 1-based): chr20:62,293,880, T>C. VCF-style: chr20-62293880-T-C. GRCh37 (hg19) VCF-style: chr20-60868936-T-C.
Other names: c.1036T>C, p.Ser346Pro (NM_001278649.3); c.1160T>C, p.Ile387Thr (NM_001363878.2); c.1400T>C, p.Ile467Thr (NM_014835.5); c.1436T>C (NM_144498.1); short protein forms I387T, S346P, I467T, I479T.
Identifiers: ClinVar variation 3018285 (VCV003018285.4), dbSNP rs1380150867, ClinGen allele CA409523962.
Genomic context (GRCh38, chr20:62,293,880, plus strand): 5'-CCCCCGACTGGTTGTATGCAGGGGATTACTTTGAGCGGAATTTCTCCGACTGCCCAGATA[T>C]CTACTGAGGGCCTGGAGGGGCCTGGGGCCCGGGACCGGAGGCTGACGAGGCTGGACTTCC-3'
Protein context (NP_653081.1, residues 469-480): FERNFSDCPD[Ile479Thr]Y

ClinVar aggregate classification (germline): Uncertain significance. Review status: criteria provided, multiple submitters, no conflicts (2 of 4 stars). 2 submissions from 2 submitters: Uncertain significance (2). Last evaluated 2025-09-02.

Conditions:
Inborn genetic diseases. Identifiers: MedGen C0950123, MeSH D030342.

Allele frequency attached by ClinVar (database versions not stated): gnomAD exomes 0.00001; TOPMed below 0.00001.

Submissions (2):

Labcorp Genetics (formerly Invitae), Labcorp
Classification: Uncertain significance. Last evaluated: 2025-09-02. Review status: criteria provided, single submitter. Criteria: Invitae Variant Classification Sherloc (09022015). Collection method: clinical testing. Allele origin: germline.
Comment: This sequence change replaces isoleucine, which is neutral and non-polar, with threonine, which is neutral and polar, at codon 479 of the OSBPL2 protein (p.Ile479Thr). This variant is present in population databases (no rsID available, gnomAD 0.002%). This variant has not been reported in the literature in individuals affected with OSBPL2-related conditions. ClinVar contains an entry for this variant (Variation ID: 3018285). An algorithm developed to predict the effect of missense changes on protein structure and function (PolyPhen-2) suggests that this variant is likely to be disruptive. In summary, the available evidence is currently insufficient to determine the role of this variant in disease. Therefore, it has been classified as a Variant of Uncertain Significance.

Ambry Genetics
Classification: Uncertain significance for Inborn genetic diseases. Last evaluated: 2024-08-28. Review status: criteria provided, single submitter. Criteria: Ambry Variant Classification Scheme 2023. Collection method: clinical testing. Allele origin: germline.